The following is an entry in ClinVar:

ClinVar aggregate classification (germline): Uncertain significance (1 of 4 stars; one submission).

Allele frequency attached by ClinVar (database versions not stated): TOPMed below 0.00001; gnomAD 0.00001.
gnomAD v4.1: 1 of 1,612,914 alleles (0.000062%); highest among the groups gnomAD compares: Non-Finnish European, 0.000085%; no homozygotes.

Submission:

Labcorp Genetics (formerly Invitae), Labcorp
Classification: Uncertain significance. Last evaluated: 2021-01-13. Review status: criteria provided, single submitter. Criteria: Invitae Variant Classification Sherloc (09022015). Collection method: clinical testing. Allele origin: germline.
Comment: This sequence change replaces serine with glycine at codon 39 of the COL18A1 protein (p.Ser39Gly). The serine residue is weakly conserved and there is a small physicochemical difference between serine and glycine. This variant is not present in population databases (ExAC no frequency). This variant has not been reported in the literature in individuals with COL18A1-related conditions. Experimental studies and prediction algorithms are not available or were not evaluated, and the functional significance of this variant is currently unknown. In summary, the available evidence is currently insufficient to determine the role of this variant in disease. Therefore, it has been classified as a Variant of Uncertain Significance.

NM_001379500.1(COL18A1):c.115A>G (p.Ser39Gly)

Gene: COL18A1 (collagen type XVIII alpha 1 chain; plus strand). Cytogenetic location: 21q22.3.
Variant type: single nucleotide variant.
Coding change: c.115A>G on transcript NM_001379500.1 (MANE Select); coding-DNA position 115, A replaced by G.
Protein change: p.Ser39Gly; replaces serine 39 with glycine.
Molecular consequence: missense variant.
Genome position (GRCh38, 1-based): chr21:45,468,250, A>G. VCF-style: chr21-45468250-A-G. GRCh37 (hg19) VCF-style: chr21-46888164-A-G.
Other names: c.655A>G, p.Ser219Gly (NM_030582.4); c.1360A>G, p.Ser454Gly (NM_130444.3); short protein forms S39G, S219G, S454G.
Identifiers: ClinVar variation 1502243 (VCV001502243.3), dbSNP rs1282122900, ClinGen allele CA410511374.